The following is an entry in ClinVar:

ClinVar aggregate classification (germline): Uncertain significance. Review status: criteria provided, multiple submitters, no conflicts (2 of 4 stars). 3 submissions from 3 submitters: Uncertain significance (3). Last evaluated 2024-07-30.

Conditions:
Inborn genetic diseases. Identifiers: MedGen C0950123, MeSH D030342.
Cortical dysplasia-focal epilepsy syndrome (PTHSL1). Also called: Pitt-Hopkins-like syndrome 1. Identifiers: Orphanet 163681, Orphanet 221150, MedGen C2750246, MONDO:0012400, OMIM 610042.

Allele frequency attached by ClinVar (database versions not stated): gnomAD exomes below 0.00001; TOPMed 0.00002; gnomAD 0.00003.
gnomAD v4.1: 5 of 1,613,882 alleles (0.00031%); highest among the groups gnomAD compares: Admixed American, 0.0083%; 1 homozygote.

Submissions (3):

Ambry Genetics
Classification: Uncertain significance for Inborn genetic diseases. Last evaluated: 2024-07-30. Review status: criteria provided, single submitter. Criteria: Ambry Variant Classification Scheme 2023. Collection method: clinical testing. Allele origin: germline.

Labcorp Genetics (formerly Invitae), Labcorp
Classification: Uncertain significance for Cortical dysplasia-focal epilepsy syndrome. Last evaluated: 2023-11-27. Review status: criteria provided, single submitter. Criteria: Invitae Variant Classification Sherloc (09022015). Collection method: clinical testing. Allele origin: germline.
Comment: This sequence change replaces asparagine, which is neutral and polar, with serine, which is neutral and polar, at codon 360 of the CNTNAP2 protein (p.Asn360Ser). This variant is present in population databases (rs794727873, gnomAD 0.003%). This variant has not been reported in the literature in individuals affected with CNTNAP2-related conditions. ClinVar contains an entry for this variant (Variation ID: 198561). Algorithms developed to predict the effect of missense changes on protein structure and function output the following: SIFT: "Not Available"; PolyPhen-2: "Benign"; Align-GVGD: "Not Available". The serine amino acid residue is found in multiple mammalian species, which suggests that this missense change does not adversely affect protein function. In summary, the available evidence is currently insufficient to determine the role of this variant in disease. Therefore, it has been classified as a Variant of Uncertain Significance.

Eurofins Ntd Llc (ga)
Classification: Uncertain significance. Last evaluated: 2014-07-20. Review status: criteria provided, single submitter. Criteria: EGL Classification Definitions 2015. Collection method: clinical testing. Allele origin: germline. Observed: 1 variant allele, 1 heterozygote.

NM_014141.6(CNTNAP2):c.1079A>G (p.Asn360Ser)

Gene: CNTNAP2 (contactin associated protein 2; plus strand). Cytogenetic location: 7q35.
Variant type: single nucleotide variant.
Coding change: c.1079A>G on transcript NM_014141.6 (MANE Select); coding-DNA position 1079, A replaced by G.
Protein change: p.Asn360Ser; replaces asparagine 360 with serine.
Molecular consequence: missense variant.
Genome position (GRCh38, 1-based): chr7:147,128,832, A>G. VCF-style: chr7-147128832-A-G. GRCh37 (hg19) VCF-style: chr7-146825924-A-G.
Other names: short protein forms N360S.
Identifiers: ClinVar variation 198561 (VCV000198561.20), dbSNP rs794727873, ClinGen allele CA247280.